The following is an entry in ClinVar:

ClinVar aggregate classification (germline): Uncertain significance (1 of 4 stars; one submission).

Allele frequency attached by ClinVar (database versions not stated): TOPMed below 0.00001.

Submission:

Ambry Genetics
Classification: Uncertain significance. Last evaluated: 2023-05-15. Review status: criteria provided, single submitter. Criteria: Ambry Variant Classification Scheme 2023. Collection method: clinical testing. Allele origin: germline.
Comment: The p.E359K variant (also known as c.1075G>A), located in coding exon 3 of the EGLN2 gene, results from a G to A substitution at nucleotide position 1075. The glutamic acid at codon 359 is replaced by lysine, an amino acid with similar properties. This amino acid position is conserved. In addition, the in silico prediction for this alteration is inconclusive. Since supporting evidence is limited at this time, the clinical significance of this alteration remains unclear.

NM_080732.4(EGLN2):c.1075G>A (p.Glu359Lys)

Genes: EGLN2 (egl-9 family hypoxia inducible factor 2; plus strand), RAB4B-EGLN2 (RAB4B-EGLN2 readthrough (NMD candidate); plus strand). Cytogenetic location: 19q13.2.
Variant type: single nucleotide variant.
Coding change: c.1075G>A on transcript NM_080732.4 (MANE Select); coding-DNA position 1075, G replaced by A.
Protein change: p.Glu359Lys; replaces glutamic acid 359 with lysine.
Molecular consequence: missense variant. On other transcripts: non-coding transcript variant (1).
Genome position (GRCh38, 1-based): chr19:40,807,249, G>A. VCF-style: chr19-40807249-G-A. GRCh37 (hg19) VCF-style: chr19-41313154-G-A.
Other names: c.1075G>A, p.Glu359Lys (NM_053046.4); short protein forms E359K.
Identifiers: ClinVar variation 2561826 (VCV002561826.2), dbSNP rs2083311157, ClinGen allele CA405956624.